The following is an entry in ClinVar:

ClinVar aggregate classification (germline): Uncertain significance (1 of 4 stars; one submission).

Conditions:
Cardiovascular phenotype. Identifiers: MedGen CN230736.

Submission:

Ambry Genetics
Classification: Uncertain significance for Cardiovascular phenotype. Last evaluated: 2022-06-22. Review status: criteria provided, single submitter. Criteria: Ambry Variant Classification Scheme 2023. Collection method: clinical testing. Allele origin: germline.
Comment: The p.G749R variant (also known as c.2245G>C), located in coding exon 14 of the SOS1 gene, results from a G to C substitution at nucleotide position 2245. The glycine at codon 749 is replaced by arginine, an amino acid with dissimilar properties. This amino acid position is conserved. In addition, this alteration is predicted to be tolerated by in silico analysis. Since supporting evidence is limited at this time, the clinical significance of this alteration remains unclear.

NM_005633.4(SOS1):c.2245G>C (p.Gly749Arg)

Gene: SOS1 (SOS Ras/Rac guanine nucleotide exchange factor 1; minus strand). Cytogenetic location: 2p22.1.
Variant type: single nucleotide variant.
Coding change: c.2245G>C on transcript NM_005633.4 (MANE Select); coding-DNA position 2245, G replaced by C.
Protein change: p.Gly749Arg; replaces glycine 749 with arginine.
Molecular consequence: missense variant.
Genome position (GRCh38, 1-based): chr2:39,012,271, C>G on the plus strand (G>C on the coding strand, the complement: SOS1 is on the minus strand). VCF-style: chr2-39012271-C-G. GRCh37 (hg19) VCF-style: chr2-39239412-C-G.
Other names: c.2224G>C, p.Gly742Arg (NM_001382394.1); c.2245G>C, p.Gly749Arg (NM_001382395.1); short protein forms G749R, G742R.
Identifiers: ClinVar variation 1788338 (VCV001788338.2), dbSNP rs2528992767, ClinGen allele CA346364310.